The following is an entry in ClinVar:

ClinVar aggregate classification (germline): Uncertain significance. Review status: criteria provided, multiple submitters, no conflicts (2 of 4 stars). 4 submissions from 4 submitters: Uncertain significance (3). 1 of the submissions does not count toward it. Last evaluated 2021-08-27.

Conditions:
Niemann-Pick disease, type B. Also called: Chronic Visceral ASMD (Niemann-Pick Disease Type B; NPD-B). Identifiers: Orphanet 77293, MedGen C0268243, MONDO:0011871, OMIM 607616. Disease mechanism: loss of function.
Niemann-Pick disease, type A. Also called: SPHINGOMYELIN LIPIDOSIS; SPHINGOMYELINASE DEFICIENCY; Infantile Neurovisceral ASMD (Niemann-Pick Disease Type A; NPD-A). Identifiers: Orphanet 77292, MedGen C0268242, MONDO:0009756, OMIM 257200. Disease mechanism: loss of function.

Allele frequency attached by ClinVar (database versions not stated): ExAC 0.00002; gnomAD exomes 0.00002 and 0.00004; gnomAD 0.00003 and 0.00004; TOPMed 0.00003.

Submissions (4):

Labcorp Genetics (formerly Invitae), Labcorp
Classification: Uncertain significance for Niemann-Pick disease, type B; Niemann-Pick disease, type A. Last evaluated: 2021-08-27. Review status: criteria provided, single submitter. Criteria: Invitae Variant Classification Sherloc (09022015). Collection method: clinical testing. Allele origin: germline.
Comment: This sequence change replaces arginine with histidine at codon 389 of the SMPD1 protein (p.Arg389His). The arginine residue is moderately conserved and there is a small physicochemical difference between arginine and histidine. This variant is present in population databases (rs750345585, ExAC 0.005%). This missense change has been observed in individual(s) with Niemann-Pick disease (PMID: 28302345). ClinVar contains an entry for this variant (Variation ID: 557533). Algorithms developed to predict the effect of missense changes on protein structure and function are either unavailable or do not agree on the potential impact of this missense change (SIFT: "Tolerated"; PolyPhen-2: "Probably Damaging"; Align-GVGD: "Class C0"). In summary, the available evidence is currently insufficient to determine the role of this variant in disease. Therefore, it has been classified as a Variant of Uncertain Significance.

Revvity Omics, Revvity
Classification: Uncertain significance. Last evaluated: 2019-08-16. Review status: criteria provided, single submitter. Criteria: ACMG Guidelines, 2015. Collection method: clinical testing. Allele origin: germline.

Eurofins Ntd Llc (ga)
Classification: Uncertain significance. Last evaluated: 2018-07-26. Review status: criteria provided, single submitter. Criteria: EGL ClinVar v180209 classification definitions. Collection method: clinical testing. Allele origin: germline. Observed: 1 variant allele, 1 heterozygote.

Counsyl
Classification: Uncertain significance for Niemann-Pick disease, type A. Last evaluated: 2018-03-28. Review status: no assertion criteria provided. Collection method: clinical testing. Allele origin: unknown. Not counted in ClinVar's aggregate classification.

Literature cited by the submitters: PubMed 28302345 (cited by Labcorp Genetics (formerly Invitae), Labcorp and Counsyl).

NM_000543.5(SMPD1):c.1166G>A (p.Arg389His)

Gene: SMPD1 (sphingomyelin phosphodiesterase 1; plus strand). Cytogenetic location: 11p15.4.
Variant type: single nucleotide variant.
Coding change: c.1166G>A on transcript NM_000543.5 (MANE Select); coding-DNA position 1166, G replaced by A.
Protein change: p.Arg389His; replaces arginine 389 with histidine.
Molecular consequence: missense variant. On other transcripts: non-coding transcript variant (1), intron variant (1).
Genome position (GRCh38, 1-based): chr11:6,393,290, G>A. VCF-style: chr11-6393290-G-A. GRCh37 (hg19) VCF-style: chr11-6414520-G-A.
Other names: c.1163G>A, p.Arg388His (NM_001007593.3); c.1166G>A, p.Arg389His (NM_001318087.2); c.245G>A, p.Arg82His (NM_001318088.2); c.1132-327G>A (NM_001365135.2); short protein forms R389H, R388H, R82H.
Identifiers: ClinVar variation 557533 (VCV000557533.10), dbSNP rs750345585, ClinGen allele CA5852802.
Genomic context (GRCh38, chr11:6,393,290, plus strand): 5'-ATGCTCTTTCCCCATACCCCGGTCTCCGCCTCATCTCTCTCAATATGAATTTTTGTTCCC[G>A]TGAGAACTTCTGGCTCTTGATCAACTCCACGGATCCCGCAGGACAGCTCCAGTGGCTGGT-3'
Protein context (NP_000534.3, residues 379-399): LISLNMNFCS[Arg389His]ENFWLLINST